The following is an entry in ClinVar:

NM_001127511.3(APC):c.-122T>C

Gene: APC (APC regulator of Wnt signaling pathway; plus strand). Cytogenetic location: 5q22.2.
Variant type: single nucleotide variant.
Coding change: c.-122T>C on transcript NM_001127511.3; 122 bases upstream of the start codon, T replaced by C.
Molecular consequence: 5 prime UTR variant. On other transcripts: non-coding transcript variant (2).
Genome position (GRCh38, 1-based): chr5:112,707,596, T>C. VCF-style: chr5-112707596-T-C. GRCh37 (hg19) VCF-style: chr5-112043293-T-C.
Other names: c.-305T>C (NM_001354895.2, NM_001407447.1, NM_001407452.1 and 3 more transcripts); c.-122T>C (NM_001354897.2, NM_001354902.2, NM_001407446.1); c.-72T>C (NM_001407448.1, NM_001407450.1, NM_001407457.1 and 1 more transcripts); c.-96T>C (NM_001407453.1); c.-1340T>C (NM_001407470.1, NM_001407472.1).
Identifiers: ClinVar variation 4806972 (VCV004806972.1).

ClinVar aggregate classification (germline): Uncertain significance (1 of 4 stars; one submission).

Conditions:
Familial adenomatous polyposis 1 (FAP1). Also called: POLYPOSIS, ADENOMATOUS INTESTINAL; FAMILIAL ADENOMATOUS POLYPOSIS 1, ATTENUATED. Identifiers: MedGen C2713442, MONDO:0021056, OMIM 175100. Disease mechanism: loss of function.

Submission:

Labcorp Genetics (formerly Invitae), Labcorp
Classification: Uncertain significance for Familial adenomatous polyposis 1. Last evaluated: 2025-10-17. Review status: criteria provided, single submitter. Criteria: Invitae Variant Classification Sherloc (09022015). Collection method: clinical testing. Allele origin: germline.
Comment: This variant occurs in a non-coding region of the APC gene. It does not change the encoded amino acid sequence of the APC protein. This variant is not present in population databases (gnomAD no frequency). This variant has not been reported in the literature in individuals affected with APC-related conditions. Experimental studies and prediction algorithms are not available or were not evaluated, and the functional significance of this variant is currently unknown. In summary, the available evidence is currently insufficient to determine the role of this variant in disease. Therefore, it has been classified as a Variant of Uncertain Significance.